The following is an entry in ClinVar:

ClinVar aggregate classification (germline): Likely pathogenic (1 of 4 stars; one submission).

Allele frequency attached by ClinVar (database versions not stated): gnomAD 0.00001; 1000 Genomes Project 30x 0.00016; 1000 Genomes Project 0.00020.
gnomAD v4.1: 10 of 1,613,898 alleles (0.00062%); highest among the groups gnomAD compares: East Asian, 0.018%; no homozygotes.

Submission:

CeGaT Center for Human Genetics Tuebingen
Classification: Likely pathogenic. Last evaluated: 2023-01-01. Review status: criteria provided, single submitter. Criteria: CeGaT Center For Human Genetics Tuebingen Variant Classification Criteria Version 2. Collection method: clinical testing. Allele origin: germline. Affected: yes. Observed: 1 variant allele.
Comment: NLRP12: PVS1

NM_144687.4(NLRP12):c.268C>T (p.Gln90Ter)

Gene: NLRP12 (NLR family pyrin domain containing 12; minus strand). Cytogenetic location: 19q13.42.
Variant type: single nucleotide variant.
Coding change: c.268C>T on transcript NM_144687.4 (MANE Select); coding-DNA position 268, C replaced by T.
Protein change: p.Gln90Ter; replaces glutamine 90 with a stop codon.
Molecular consequence: nonsense.
Genome position (GRCh38, 1-based): chr19:53,823,907, G>A on the plus strand (C>T on the coding strand, the complement: NLRP12 is on the minus strand). VCF-style: chr19-53823907-G-A. GRCh37 (hg19) VCF-style: chr19-54327161-G-A.
Other names: c.268C>T, p.Gln90Ter (NM_001277126.2, NM_001277129.1); short protein forms Q90*.
Identifiers: ClinVar variation 2650412 (VCV002650412.24), dbSNP rs549438462, ClinGen allele CA9639802.